The following is an entry in ClinVar:

NM_003738.5(PTCH2):c.2728T>A (p.Phe910Ile)

Gene: PTCH2 (patched 2; minus strand). Cytogenetic location: 1p34.1.
Variant type: single nucleotide variant.
Coding change: c.2728T>A on transcript NM_003738.5 (MANE Select); coding-DNA position 2728, T replaced by A.
Protein change: p.Phe910Ile; replaces phenylalanine 910 with isoleucine.
Molecular consequence: missense variant.
Genome position (GRCh38, 1-based): chr1:44,826,736, A>T on the plus strand (T>A on the coding strand, the complement: PTCH2 is on the minus strand). VCF-style: chr1-44826736-A-T. GRCh37 (hg19) VCF-style: chr1-45292408-A-T.
Other names: c.2728T>A, p.Phe910Ile (NM_001166292.2); short protein forms F910I.
Identifiers: ClinVar variation 1413041 (VCV001413041.8), dbSNP rs2148874300, ClinGen allele CA340093915.
Genomic context (GRCh38, chr1:44,826,736, plus strand): 5'-CCCCCTCGATGGCCTCCACAAAGTCTGCAGTCTTCTGGAGGCCACGCAGCAGGAAGGGGA[A>T]CTGGGCAAACTCCAAGGGCTGAGCTGGCGGGACTGTGGAGGGGAGGGGAAGGGAGAAGAG-3'
Protein context (NP_003729.3, residues 900-920): PPAQPLEFAQ[Phe910Ile]PFLLRGLQKT

ClinVar aggregate classification (germline): Uncertain significance (1 of 4 stars; one submission).

Conditions:
Gorlin syndrome. Also called: Nevoid Basal Cell Carcinoma Syndrome; Basal cell nevus syndrome. Identifiers: Orphanet 377, MedGen C0004779, MONDO:0007187.

Submission:

Labcorp Genetics (formerly Invitae), Labcorp
Classification: Uncertain significance for Gorlin syndrome. Last evaluated: 2021-02-10. Review status: criteria provided, single submitter. Criteria: Invitae Variant Classification Sherloc (09022015). Collection method: clinical testing. Allele origin: germline.
Comment: This sequence change replaces phenylalanine with isoleucine at codon 910 of the PTCH2 protein (p.Phe910Ile). The phenylalanine residue is moderately conserved and there is a small physicochemical difference between phenylalanine and isoleucine. This variant has not been reported in the literature in individuals with PTCH2-related conditions. This variant is not present in population databases (ExAC no frequency). In summary, the available evidence is currently insufficient to determine the role of this variant in disease. Therefore, it has been classified as a Variant of Uncertain Significance. Algorithms developed to predict the effect of missense changes on protein structure and function are either unavailable or do not agree on the potential impact of this missense change (SIFT: "Tolerated"; PolyPhen-2: "Possibly Damaging"; Align-GVGD: "Class C0").